The following is an entry in ClinVar:

ClinVar aggregate classification (germline): Uncertain significance (1 of 4 stars; one submission).

Submission:

GeneDx
Classification: Uncertain significance. Last evaluated: 2021-06-25. Review status: criteria provided, single submitter. Criteria: GeneDx Variant Classification Process June 2021. Collection method: clinical testing. Allele origin: germline. Affected: yes.
Comment: Not observed at significant frequency in large population cohorts (Lek et al., 2016); In silico analysis supports a deleterious effect on splicing; Has not been previously published as pathogenic or benign to our knowledge; This variant is associated with the following publications: (PMID: 27535533)

NM_080680.3(COL11A2):c.4038C>G (p.Ala1346=)

Gene: COL11A2 (collagen type XI alpha 2 chain; minus strand). Cytogenetic location: 6p21.32.
Variant type: single nucleotide variant.
Coding change: c.4038C>G on transcript NM_080680.3 (MANE Select); coding-DNA position 4038, C replaced by G.
Protein change: p.Ala1346=; no amino-acid change (alanine 1346 retained).
Molecular consequence: synonymous variant.
Genome position (GRCh38, 1-based): chr6:33,167,510, G>C on the plus strand (C>G on the coding strand, the complement: COL11A2 is on the minus strand). VCF-style: chr6-33167510-G-C. GRCh37 (hg19) VCF-style: chr6-33135287-G-C.
Other names: c.3717C>G, p.Ala1239= (NM_080679.3); c.3780C>G, p.Ala1260= (NM_080681.3).
Identifiers: ClinVar variation 1329783 (VCV001329783.2), dbSNP rs748527563, ClinGen allele CA449869604.